The following is an entry in ClinVar:

NM_000256.3(MYBPC3):c.1958G>A (p.Gly653Asp)

Gene: MYBPC3 (myosin binding protein C3; minus strand). Cytogenetic location: 11p11.2.
Variant type: single nucleotide variant.
Coding change: c.1958G>A on transcript NM_000256.3 (MANE Select); coding-DNA position 1958, G replaced by A.
Protein change: p.Gly653Asp; replaces glycine 653 with aspartic acid.
Molecular consequence: missense variant.
Genome position (GRCh38, 1-based): chr11:47,339,760, C>T on the plus strand (G>A on the coding strand, the complement: MYBPC3 is on the minus strand). VCF-style: chr11-47339760-C-T. GRCh37 (hg19) VCF-style: chr11-47361311-C-T.
Other names: short protein forms G653D.
Identifiers: ClinVar variation 1783357 (VCV001783357.3), dbSNP rs886500544, ClinGen allele CA221691283.
Genomic context (GRCh38, chr11:47,339,760, plus strand): 5'-ATAGGGACGTCCAGACGTAGCTTATTTCCAGCTACAACCACAATGGTGTCTGGTATGCGG[C>T]CTGGGCAGTCCAGGTGGATCTTGGGAGGTTCTGCAGAAGACACAATGTAGTTCAGAGAAA-3'
Protein context (NP_000247.2, residues 643-663): EPPKIHLDCP[Gly653Asp]RIPDTIVVVA

ClinVar aggregate classification (germline): Uncertain significance. Review status: criteria provided, multiple submitters, no conflicts (2 of 4 stars). 2 submissions from 2 submitters: Uncertain significance (2). Last evaluated 2023-05-16.

Conditions:
Cardiovascular phenotype. Identifiers: MedGen CN230736.
Hypertrophic cardiomyopathy. Also called: HYPERTROPHIC MYOCARDIOPATHY. Identifiers: Orphanet 217569, MedGen C0007194, MeSH D002312, MONDO:0005045, HP:0001639.

Allele frequency attached by ClinVar (database versions not stated): TOPMed below 0.00001.

Submissions (2):

All of Us Research Program, National Institutes of Health
Classification: Uncertain significance for Hypertrophic cardiomyopathy. Last evaluated: 2023-05-16. Review status: criteria provided, single submitter. Criteria: ACMG Guidelines, 2015. Collection method: clinical testing. Allele origin: germline. Inheritance: Autosomal dominant inheritance. Observed: 1 variant allele, 1 heterozygote.
Comment: This missense variant replaces glycine with aspartic acid at codon 653 of the MYBPC3 protein. Computational prediction suggests that this variant may not impact protein structure and function (internally defined REVEL score threshold <= 0.5, PMID: 27666373). To our knowledge, functional studies have not been reported for this variant. This variant has not been reported in individuals affected with MYBPC3-related disorders in the literature. This variant has not been identified in the general population by the Genome Aggregation Database (gnomAD). The available evidence is insufficient to determine the role of this variant in disease conclusively. Therefore, this variant is classified as a Variant of Uncertain Significance.

This study involves interpretation of variants in research participants for the purpose of population health screening. Participant phenotype was not available at the time of variant classification. Additional details can be found in publication PMID: 35346344, PMCID: PMC8962531

Ambry Genetics
Classification: Uncertain significance for Cardiovascular phenotype. Last evaluated: 2020-01-10. Review status: criteria provided, single submitter. Criteria: Ambry Variant Classification Scheme 2023. Collection method: clinical testing. Allele origin: germline.
Comment: The p.G653D variant (also known as c.1958G>A), located in coding exon 21 of the MYBPC3 gene, results from a G to A substitution at nucleotide position 1958. The glycine at codon 653 is replaced by aspartic acid, an amino acid with similar properties. This amino acid position is well conserved in available vertebrate species. In addition, the in silico prediction for this alteration is inconclusive. Since supporting evidence is limited at this time, the clinical significance of this alteration remains unclear.